The following is an entry in ClinVar:

NM_020937.4(FANCM):c.5140G>T (p.Ala1714Ser)

Gene: FANCM (FA complementation group M; plus strand). Cytogenetic location: 14q21.2.
Variant type: single nucleotide variant.
Coding change: c.5140G>T on transcript NM_020937.4 (MANE Select); coding-DNA position 5140, G replaced by T.
Protein change: p.Ala1714Ser; replaces alanine 1714 with serine.
Molecular consequence: missense variant.
Genome position (GRCh38, 1-based): chr14:45,189,162, G>T. VCF-style: chr14-45189162-G-T. GRCh37 (hg19) VCF-style: chr14-45658365-G-T.
Other names: c.5062G>T, p.Ala1688Ser (NM_001308133.2); short protein forms A1688S, A1714S.
Identifiers: ClinVar variation 4871105 (VCV004871105.1).

ClinVar aggregate classification (germline): Uncertain significance (1 of 4 stars; one submission).

Conditions:
Inborn genetic diseases. Identifiers: MedGen C0950123, MeSH D030342.

gnomAD v4.1: 1 of 1,614,170 alleles (0.000062%); highest among the groups gnomAD compares: East Asian, 0.0022%; no homozygotes.

Submission:

Ambry Genetics
Classification: Uncertain significance for Inborn genetic diseases. Last evaluated: 2026-04-28. Review status: criteria provided, single submitter. Criteria: Ambry Variant Classification Scheme 2023. Collection method: clinical testing. Allele origin: germline.
Comment: The p.A1714S variant (also known as c.5140G>T), located in coding exon 20 of the FANCM gene, results from a G to T substitution at nucleotide position 5140. The alanine at codon 1714 is replaced by serine, an amino acid with similar properties. This amino acid position is conserved. In addition, this alteration is predicted to be tolerated by in silico analysis. Based on the available evidence, the clinical significance of this variant remains unclear.